The following is an entry in ClinVar:

ClinVar aggregate classification (germline): Uncertain significance (1 of 4 stars; one submission).

Conditions:
Neuroblastoma, susceptibility to, 3. Also called: ALK-Related Neuroblastic Tumor Susceptibility. Identifiers: Orphanet 635, MedGen C2751681, MONDO:0013083, OMIM 613014.

Submission:

Labcorp Genetics (formerly Invitae), Labcorp
Classification: Uncertain significance for Neuroblastoma, susceptibility to, 3. Last evaluated: 2024-02-08. Review status: criteria provided, single submitter. Criteria: Invitae Variant Classification Sherloc (09022015). Collection method: clinical testing. Allele origin: germline.
Comment: This sequence change replaces asparagine, which is neutral and polar, with lysine, which is basic and polar, at codon 244 of the ALK protein (p.Asn244Lys). This variant is not present in population databases (gnomAD no frequency). This variant has not been reported in the literature in individuals affected with ALK-related conditions. An algorithm developed to predict the effect of missense changes on protein structure and function (PolyPhen-2) suggests that this variant is likely to be disruptive. In summary, the available evidence is currently insufficient to determine the role of this variant in disease. Therefore, it has been classified as a Variant of Uncertain Significance.

NM_004304.5(ALK):c.732T>A (p.Asn244Lys)

Gene: ALK (ALK receptor tyrosine kinase; minus strand). Cytogenetic location: 2p23.2.
Variant type: single nucleotide variant.
Coding change: c.732T>A on transcript NM_004304.5 (MANE Select); coding-DNA position 732, T replaced by A.
Protein change: p.Asn244Lys; replaces asparagine 244 with lysine.
Molecular consequence: missense variant.
Genome position (GRCh38, 1-based): chr2:29,717,633, A>T on the plus strand (T>A on the coding strand, the complement: ALK is on the minus strand). VCF-style: chr2-29717633-A-T. GRCh37 (hg19) VCF-style: chr2-29940499-A-T.
Other names: short protein forms N244K.
Identifiers: ClinVar variation 3611436 (VCV003611436.2).
Genomic context (GRCh38, chr2:29,717,633, plus strand): 5'-CTTACCATATCGGCTGCGATGAGACAGGAAAGGGAAGGAGTCTTTCATTATCCAGGTGAG[A>T]TTCCATGTAAAATAATCAGGAGAAGGAGAAGGCATGTTTGTTGGTGATTCCAAGGAGCTA-3'
Protein context (NP_004295.2, residues 234-254): PSPSPDYFTW[Asn244Lys]LTWIMKDSFP